The following is an entry in ClinVar:

NM_001370466.1(NOD2):c.2099C>T (p.Pro700Leu)

Gene: NOD2 (nucleotide binding oligomerization domain containing 2; plus strand). Cytogenetic location: 16q12.1.
Variant type: single nucleotide variant.
Coding change: c.2099C>T on transcript NM_001370466.1 (MANE Select); coding-DNA position 2099, C replaced by T.
Protein change: p.Pro700Leu; replaces proline 700 with leucine.
Molecular consequence: missense variant. On other transcripts: non-coding transcript variant (1).
Genome position (GRCh38, 1-based): chr16:50,712,091, C>T. VCF-style: chr16-50712091-C-T. GRCh37 (hg19) VCF-style: chr16-50746002-C-T.
Other names: c.2180C>T (LRG_177t1); c.2099C>T, p.Pro700Leu (NM_001293557.2); c.2180C>T, p.Pro727Leu (NM_022162.3); short protein forms P727L, P700L.
Identifiers: ClinVar variation 97845 (VCV000097845.13), dbSNP rs104895489, ClinGen allele CA150247.

ClinVar aggregate classification (germline): Conflicting classifications of pathogenicity. Review status: criteria provided, conflicting classifications (1 of 4 stars). 4 submissions from 4 submitters: Uncertain significance (2); Likely benign (1). 1 of the submissions does not count toward it. Last evaluated 2025-02-27.

Conditions:
Yao syndrome. Also called: Susceptibility to Yao syndrome. Identifiers: MedGen C4310620, MONDO:0015019, OMIM 617321.
Inflammatory bowel disease 1 (IBD1). Also called: INFLAMMATORY BOWEL DISEASE (CROHN DISEASE) 1; Inflammatory bowel disease 1, Crohn disease. Identifiers: MedGen CN260071, MONDO:0009960, OMIM 266600.
Blau syndrome (BLAUS). Also called: ARTHROCUTANEOUVEAL GRANULOMATOSIS; GRANULOMATOSIS, FAMILIAL JUVENILE SYSTEMIC; GRANULOMATOSIS, FAMILIAL, BLAU TYPE; GRANULOMATOUS INFLAMMATORY ARTHRITIS, DERMATITIS, AND UVEITIS, FAMILIAL; JABS SYNDROME. Identifiers: Orphanet 90340, MedGen C5201146, MONDO:0008523, OMIM 186580.
Regional enteritis. Also called: Enteritis, Granulomatous. Identifiers: MedGen C0678202, MeSH D003424.

Allele frequency attached by ClinVar (database versions not stated): ExAC 0.00002; TOPMed 0.00004; gnomAD exomes 0.00006; gnomAD 0.00009 and 0.00010.
gnomAD v4.1: 54 of 1,613,730 alleles (0.0033%); highest among the groups gnomAD compares: Admixed American, 0.012%; no homozygotes.

Submissions (4):

Labcorp Genetics (formerly Invitae), Labcorp
Classification: Likely benign for Regional enteritis; Blau syndrome. Last evaluated: 2025-02-27. Review status: criteria provided, single submitter. Criteria: Invitae Variant Classification Sherloc (09022015). Collection method: clinical testing. Allele origin: germline.

Fulgent Genetics
Classification: Uncertain significance for Blau syndrome; Inflammatory bowel disease 1; Yao syndrome. Last evaluated: 2022-04-08. Review status: criteria provided, single submitter. Criteria: ACMG Guidelines, 2015. Collection method: clinical testing. Allele origin: unknown.

Center for Genomics, Ann and Robert H. Lurie Children's Hospital of Chicago
Classification: Uncertain significance for Blau syndrome; Yao syndrome; Inflammatory bowel disease 1. Review status: criteria provided, single submitter. Criteria: ACMG Guidelines, 2015. Collection method: clinical testing. Allele origin: germline.
Comment: NOD2 NM_022162 exon 4 p.Pro727Leu (c.2180C>T): This variant has been reported in the literature in 1 individual with Crohn's disease, identified in cis with an additional truncating variant (Lappalainen 2008 PMID:17941079). This variant is present in 14/126450 European alleles, including 1 homozygote, in the Genome Aggregation Database. This variant is present in ClinVar (Variation ID:97845). This variant amino acid leucine (Leu) is present in >10 species; this suggests that this variant may not impact the protein. Additional computational prediction tools are unclear. In summary, data on this variant is insufficient for disease classification. Therefore, the clinical significance of this variant is uncertain.

Unité médicale des maladies autoinflammatoires, CHRU Montpellier
No classification provided. Condition: Sarcoidosis, early-onset. Review status: no classification provided. Collection method: not provided. Allele origin: unknown. Not counted in ClinVar's aggregate classification.
Comment: also involved in OMIM 186580 and 266600